The following is an entry in ClinVar:

NM_004360.5(CDH1):c.686C>T (p.Thr229Ile)

Gene: CDH1 (cadherin 1; plus strand). Cytogenetic location: 16q22.1.
Variant type: single nucleotide variant.
Coding change: c.686C>T on transcript NM_004360.5 (MANE Select); coding-DNA position 686, C replaced by T.
Protein change: p.Thr229Ile; replaces threonine 229 with isoleucine.
Molecular consequence: missense variant. On other transcripts: 5 prime UTR variant (2).
Genome position (GRCh38, 1-based): chr16:68,808,847, C>T. VCF-style: chr16-68808847-C-T. GRCh37 (hg19) VCF-style: chr16-68842750-C-T.
Other names: c.686C>T, p.Thr229Ile (NM_001317184.2); c.-930C>T (NM_001317185.2); c.-1134C>T (NM_001317186.2); short protein forms T229I.
Identifiers: ClinVar variation 2775033 (VCV002775033.5), dbSNP rs1354439750, ClinGen allele CA396458160.

ClinVar aggregate classification (germline): Conflicting classifications of pathogenicity. Review status: criteria provided, conflicting classifications (1 of 4 stars). 3 submissions from 3 submitters: Uncertain significance (2); Likely benign (1). Last evaluated 2024-08-12.

Conditions:
Hereditary cancer-predisposing syndrome. Also called: Hereditary Cancer Syndrome; Hereditary neoplastic syndrome; Tumor predisposition; Neoplastic Syndromes, Hereditary. Identifiers: Orphanet 140162, MedGen C0027672, MeSH D009386, MONDO:0015356.
Hereditary diffuse gastric adenocarcinoma (HDGC). Also called: DIFFUSE GASTRIC AND LOBULAR BREAST CANCER SYNDROME. Identifiers: Orphanet 26106, MedGen C1708349, MONDO:0007648, OMIM 137215.

Allele frequency attached by ClinVar (database versions not stated): TOPMed 0.00001.

Submissions (3):

Ambry Genetics
Classification: Likely benign for Hereditary cancer-predisposing syndrome. Last evaluated: 2024-08-12. Review status: criteria provided, single submitter. Criteria: Ambry Variant Classification Scheme 2023. Collection method: clinical testing. Allele origin: germline.

Labcorp Genetics (formerly Invitae), Labcorp
Classification: Uncertain significance for Hereditary diffuse gastric adenocarcinoma. Last evaluated: 2024-07-26. Review status: criteria provided, single submitter. Criteria: Invitae Variant Classification Sherloc (09022015). Collection method: clinical testing. Allele origin: germline.
Comment: This sequence change replaces threonine, which is neutral and polar, with isoleucine, which is neutral and non-polar, at codon 229 of the CDH1 protein (p.Thr229Ile). This variant is not present in population databases (gnomAD no frequency). This variant has not been reported in the literature in individuals affected with CDH1-related conditions. An algorithm developed to predict the effect of missense changes on protein structure and function outputs the following: PolyPhen-2: "Benign". The isoleucine amino acid residue is found in multiple mammalian species, which suggests that this missense change does not adversely affect protein function. In summary, the available evidence is currently insufficient to determine the role of this variant in disease. Therefore, it has been classified as a Variant of Uncertain Significance.

Color Diagnostics, LLC DBA Color Health
Classification: Uncertain significance for Hereditary cancer-predisposing syndrome. Last evaluated: 2021-09-19. Review status: criteria provided, single submitter. Criteria: ACMG Guidelines, 2015. Collection method: clinical testing. Allele origin: germline.
Comment: This missense variant replaces threonine with isoleucine at codon 229 of the CDH1 protein. To our knowledge, functional studies have not been reported for this variant. This variant has not been reported in individuals affected with hereditary cancer in the literature. This variant has not been identified in the general population by the Genome Aggregation Database (gnomAD). The available evidence is insufficient to determine the role of this variant in disease conclusively. Therefore, this variant is classified as a Variant of Uncertain Significance.